The following is an entry in ClinVar:

ClinVar aggregate classification (germline): Conflicting classifications of pathogenicity. Review status: criteria provided, conflicting classifications (1 of 4 stars). 5 submissions from 5 submitters: Uncertain significance (4); Likely benign (1). Last evaluated 2026-01-26.

Conditions:
Cardiovascular phenotype. Identifiers: MedGen CN230736.
Arrhythmogenic right ventricular cardiomyopathy (ARVD). Also called: Cardiomyopathy, ARVC; Arrhythmogenic right ventricular dysplasia; Arrhythmogenic cardiomyopathy; Arrhythmogenic Right Ventricular Cardiomyopathy (ARVC). Identifiers: Orphanet 247, MedGen C0349788, MeSH D019571, MONDO:0016587. Disease mechanism: loss of function. Inheritance: Various modes of inheritance.
Cardiomyopathy (CMYO). Also called: Cardiomyopathies. Identifiers: Orphanet 167848, MedGen C0878544, MONDO:0004994, HP:0001638. Inheritance: Various modes of inheritance.
Arrhythmogenic right ventricular dysplasia 9 (ARVD9). Also called: Arrhythmogenic Right Ventricular Dysplasia/Cardiomyopathy 9; ARRHYTHMOGENIC RIGHT VENTRICULAR DYSPLASIA, FAMILIAL, 9. Identifiers: MedGen C1836906, MONDO:0012180, OMIM 609040.

Allele frequency attached by ClinVar (database versions not stated): TOPMed 0.00001.
gnomAD v4.1: 14 of 1,613,872 alleles (0.00087%); highest among the groups gnomAD compares: Admixed American, 0.0017%; 1 homozygote.

Submissions (5):

Labcorp Genetics (formerly Invitae), Labcorp
Classification: Uncertain significance for Arrhythmogenic right ventricular dysplasia 9. Last evaluated: 2026-01-26. Review status: criteria provided, single submitter. Criteria: Invitae Variant Classification Sherloc (09022015). Collection method: clinical testing. Allele origin: germline.
Comment: This sequence change replaces arginine, which is basic and polar, with histidine, which is basic and polar, at codon 395 of the PKP2 protein (p.Arg395His). This variant is present in population databases (no rsID available, gnomAD 0.003%). This variant has not been reported in the literature in individuals affected with PKP2-related conditions. ClinVar contains an entry for this variant (Variation ID: 464408). An algorithm developed to predict the effect of missense changes on protein structure and function outputs the following: PolyPhen-2: "Benign". The histidine amino acid residue is found in multiple mammalian species, which suggests that this missense change does not adversely affect protein function. In summary, the available evidence is currently insufficient to determine the role of this variant in disease. Therefore, it has been classified as a Variant of Uncertain Significance.

Ambry Genetics
Classification: Likely benign for Cardiovascular phenotype. Last evaluated: 2025-06-28. Review status: criteria provided, single submitter. Criteria: Ambry Variant Classification Scheme 2023. Collection method: clinical testing. Allele origin: germline.

Color Diagnostics, LLC DBA Color Health
Classification: Uncertain significance for Cardiomyopathy. Last evaluated: 2024-03-06. Review status: criteria provided, single submitter. Criteria: ACMG Guidelines, 2015. Collection method: clinical testing. Allele origin: germline.
Comment: This missense variant replaces arginine with histidine at codon 395 of the PKP2 protein. Computational prediction suggests that this variant may not impact protein structure and function (internally defined REVEL score threshold <= 0.5, PMID: 27666373). To our knowledge, functional studies have not been reported for this variant. This variant has not been reported in individuals affected with cardiovascular disorders in the literature. This variant has been identified in 2/251052 chromosomes in the general population by the Genome Aggregation Database (gnomAD). The available evidence is insufficient to determine the role of this variant in disease conclusively. Therefore, this variant is classified as a Variant of Uncertain Significance.

All of Us Research Program, National Institutes of Health
Classification: Uncertain significance for Arrhythmogenic right ventricular cardiomyopathy. Last evaluated: 2023-11-30. Review status: criteria provided, single submitter. Criteria: ACMG Guidelines, 2015. Collection method: clinical testing. Allele origin: germline. Inheritance: Autosomal dominant inheritance. Observed: 1 variant allele, 1 heterozygote.
Comment: This missense variant replaces arginine with histidine at codon 395 of the PKP2 protein. Computational prediction suggests that this variant may not impact protein structure and function (internally defined REVEL score threshold <= 0.5, PMID: 27666373). To our knowledge, functional studies have not been reported for this variant. This variant has not been reported in individuals affected with cardiovascular disorders in the literature. This variant has been identified in 2/251052 chromosomes in the general population by the Genome Aggregation Database (gnomAD). The available evidence is insufficient to determine the role of this variant in disease conclusively. Therefore, this variant is classified as a Variant of Uncertain Significance.

This study involves interpretation of variants in research participants for the purpose of population health screening. Participant phenotype was not available at the time of variant classification. Additional details can be found in publication PMID: 35346344, PMCID: PMC8962531

Breakthrough Genomics
Classification: Uncertain significance. Review status: criteria provided, single submitter. Criteria: ACMG Guidelines, 2015. Collection method: not provided. Allele origin: germline. Inheritance: Autosomal dominant inheritance. Affected: yes.

NM_001005242.3(PKP2):c.1184G>A (p.Arg395His)

Gene: PKP2 (plakophilin 2; minus strand). Cytogenetic location: 12p11.21.
Variant type: single nucleotide variant.
Coding change: c.1184G>A on transcript NM_001005242.3 (MANE Select); coding-DNA position 1184, G replaced by A.
Protein change: p.Arg395His; replaces arginine 395 with histidine.
Molecular consequence: missense variant.
Genome position (GRCh38, 1-based): chr12:32,850,960, C>T on the plus strand (G>A on the coding strand, the complement: PKP2 is on the minus strand). VCF-style: chr12-32850960-C-T. GRCh37 (hg19) VCF-style: chr12-33003894-C-T.
Other names: c.1184G>A, p.Arg395His (NM_004572.4); short protein forms R395H.
Identifiers: ClinVar variation 464408 (VCV000464408.12), dbSNP rs773611613, ClinGen allele CA384371034.